The following is an entry in ClinVar:

NM_005027.4(PIK3R2):c.1192G>A (p.Val398Ile)

Gene: PIK3R2 (phosphoinositide-3-kinase regulatory subunit 2; plus strand). Cytogenetic location: 19p13.11.
Variant type: single nucleotide variant.
Coding change: c.1192G>A on transcript NM_005027.4 (MANE Select); coding-DNA position 1192, G replaced by A.
Protein change: p.Val398Ile; replaces valine 398 with isoleucine.
Molecular consequence: missense variant. On other transcripts: non-coding transcript variant (2).
Genome position (GRCh38, 1-based): chr19:18,163,049, G>A. VCF-style: chr19-18163049-G-A. GRCh37 (hg19) VCF-style: chr19-18273859-G-A.
Other names: short protein forms V398I.
Identifiers: ClinVar variation 3704055 (VCV003704055.3).

ClinVar aggregate classification (germline): Uncertain significance. Review status: criteria provided, multiple submitters, no conflicts (2 of 4 stars). 2 submissions from 2 submitters: Uncertain significance (2). Last evaluated 2025-04-28.

Conditions:
Megalencephaly-polymicrogyria-postaxial polydactyly-hydrocephalus syndrome. Also called: MPPH Syndrome; MEG-PMG-MEGACC SYNDROME. Identifiers: Orphanet 83473, MedGen C1863924, MONDO:0019375.
Megalencephaly-polymicrogyria-polydactyly-hydrocephalus syndrome 1 (MPPH1). Also called: MEGALENCEPHALY, MEGA CORPUS CALLOSUM, AND COMPLETE LACK OF MOTOR DEVELOPMENT; MEGALENCEPHALY, POLYMICROGYRIA, MEGA CORPUS CALLOSUM SYNDROME. Identifiers: Orphanet 83473, MedGen C4012727, MONDO:0011313, OMIM 603387.

gnomAD v4.1: 26 of 1,613,314 alleles (0.0016%); highest among the groups gnomAD compares: East Asian, 0.0067%; no homozygotes.

Submissions (2):

Clinical Genomics Laboratory, Washington University in St. Louis
Classification: Uncertain significance for Megalencephaly-polymicrogyria-polydactyly-hydrocephalus syndrome 1. Last evaluated: 2025-04-28. Review status: criteria provided, single submitter. Criteria: ACMG Guidelines, 2015. Collection method: clinical testing. Allele origin: germline.
Comment: The PIK3R2 c.1192G>A (p.Val398Ile) variant was identified at a near heterozygous allelic fraction of 55.8%, a frequency which may be consistent with it being of germline origin. This variant, to our knowledge, has not been reported in the medical literature but has been reported in the ClinVar database as a variant of uncertain significance by one submitter in a germline state (ClinVar Variation ID: 3704055). It is observed in 26/1,613,314 alleles in the general population (gnomAD v4.1.0). This variant resides within the sequence homology 2 (SH2) domain of PIK3R2 that is defined as a critical functional domain (Ito Y et al., PMID: 28915558). Computational predictors suggest that the variant does not impact PIK3R2 function. Due to limited information, and based on ACMG/AMP guidelines for variant interpretation (Richards S et al., PMID: 25741868), the clinical significance of the PIK3R2 c.1192G>A (p.Val398Ile) variant is uncertain at this time.

Labcorp Genetics (formerly Invitae), Labcorp
Classification: Uncertain significance for Megalencephaly-polymicrogyria-postaxial polydactyly-hydrocephalus syndrome. Last evaluated: 2024-02-16. Review status: criteria provided, single submitter. Criteria: Invitae Variant Classification Sherloc (09022015). Collection method: clinical testing. Allele origin: germline.
Comment: This sequence change replaces valine, which is neutral and non-polar, with isoleucine, which is neutral and non-polar, at codon 398 of the PIK3R2 protein (p.Val398Ile). This variant is present in population databases (rs771756537, gnomAD 0.004%). This variant has not been reported in the literature in individuals affected with PIK3R2-related conditions. Advanced modeling of protein sequence and biophysical properties (such as structural, functional, and spatial information, amino acid conservation, physicochemical variation, residue mobility, and thermodynamic stability) performed at Invitae indicates that this missense variant is expected to disrupt PIK3R2 protein function with a positive predictive value of 80%. In summary, the available evidence is currently insufficient to determine the role of this variant in disease. Therefore, it has been classified as a Variant of Uncertain Significance.